The following is an entry in ClinVar:

ClinVar aggregate classification (germline): Pathogenic (1 of 4 stars; one submission).

Conditions:
Actin accumulation myopathy (CMYO2A). Also called: Myopathy, actin, congenital, with cores; Nemaline myopathy 3, with intranuclear rods; Nemaline myopathy type 3; Myopathy, actin, congenital, with excess of thin myofilaments; CONGENITAL MYOPATHY 2A, TYPICAL, AUTOSOMAL DOMINANT. Identifiers: Orphanet 98904, MedGen C3711389, MONDO:0008070, OMIM 161800.

Submission:

Labcorp Genetics (formerly Invitae), Labcorp
Classification: Pathogenic for Actin accumulation myopathy. Last evaluated: 2023-09-01. Review status: criteria provided, single submitter. Criteria: Invitae Variant Classification Sherloc (09022015). Collection method: clinical testing. Allele origin: germline.
Comment: ClinVar contains an entry for this variant (Variation ID: 532771). This missense change has been observed in individual(s) with congenital muscular dystrophy (Invitae). In at least one individual the variant was observed to be de novo. This variant is not present in population databases (gnomAD no frequency). This sequence change replaces valine, which is neutral and non-polar, with alanine, which is neutral and non-polar, at codon 154 of the ACTA1 protein (p.Val154Ala). Advanced modeling of protein sequence and biophysical properties (such as structural, functional, and spatial information, amino acid conservation, physicochemical variation, residue mobility, and thermodynamic stability) performed at Invitae indicates that this missense variant is not expected to disrupt ACTA1 protein function. For these reasons, this variant has been classified as Pathogenic.

NM_001100.4(ACTA1):c.461T>C (p.Val154Ala)

Gene: ACTA1 (actin alpha 1, skeletal muscle; minus strand). Cytogenetic location: 1q42.13.
Variant type: single nucleotide variant.
Coding change: c.461T>C on transcript NM_001100.4 (MANE Select); coding-DNA position 461, T replaced by C.
Protein change: p.Val154Ala; replaces valine 154 with alanine.
Molecular consequence: missense variant.
Genome position (GRCh38, 1-based): chr1:229,432,425, A>G on the plus strand (T>C on the coding strand, the complement: ACTA1 is on the minus strand). VCF-style: chr1-229432425-A-G. GRCh37 (hg19) VCF-style: chr1-229568172-A-G.
Other names: short protein forms V154A.
Identifiers: ClinVar variation 532771 (VCV000532771.9), dbSNP rs1553255446, ClinGen allele CA345148921.